The following is an entry in ClinVar:

NM_004329.3(BMPR1A):c.334-14T>C

Gene: BMPR1A (bone morphogenetic protein receptor type 1A; plus strand). Cytogenetic location: 10q23.2.
Variant type: single nucleotide variant.
Coding change: c.334-14T>C on transcript NM_004329.3 (MANE Select); 14 bases into the intron before coding-DNA position 334, T replaced by C.
Molecular consequence: intron variant.
Genome position (GRCh38, 1-based): chr10:86,899,780, T>C. VCF-style: chr10-86899780-T-C. GRCh37 (hg19) VCF-style: chr10-88659537-T-C.
Identifiers: ClinVar variation 923333 (VCV000923333.11), dbSNP rs1843279043, ClinGen allele CA1139661553.

ClinVar aggregate classification (germline): Likely benign. Review status: criteria provided, multiple submitters, no conflicts (2 of 4 stars). 3 submissions from 3 submitters: Likely benign (3). Last evaluated 2025-02-19.

Conditions:
Juvenile polyposis syndrome (JPS). Identifiers: Orphanet 2929, MedGen C0345893, MONDO:0017380, OMIM 174900.
Hereditary cancer-predisposing syndrome. Also called: Hereditary Cancer Syndrome; Hereditary neoplastic syndrome; Neoplastic Syndromes, Hereditary; Tumor predisposition. Identifiers: Orphanet 140162, MedGen C0027672, MeSH D009386, MONDO:0015356.

gnomAD v4.1: 3 of 1,603,986 alleles (0.00019%); highest among the groups gnomAD compares: Admixed American, 0.0017%; no homozygotes.

Submissions (3):

Labcorp Genetics (formerly Invitae), Labcorp
Classification: Likely benign for Juvenile polyposis syndrome. Last evaluated: 2025-02-19. Review status: criteria provided, single submitter. Criteria: Invitae Variant Classification Sherloc (09022015). Collection method: clinical testing. Allele origin: germline.

Myriad Genetics, Inc.
Classification: Likely benign for Juvenile polyposis syndrome. Last evaluated: 2024-07-31. Review status: criteria provided, single submitter. Criteria: Myriad Autosomal Dominant, Autosomal Recessive and X-Linked Classification Criteria (2023). Collection method: clinical testing. Allele origin: unknown.
Comment: This variant is considered likely benign. This variant is intronic and is not expected to impact mRNA splicing.

Color Diagnostics, LLC DBA Color Health
Classification: Likely benign for Hereditary cancer-predisposing syndrome. Last evaluated: 2019-12-02. Review status: criteria provided, single submitter. Criteria: ACMG Guidelines, 2015. Collection method: clinical testing. Allele origin: germline.